The following is an entry in ClinVar:

ClinVar aggregate classification (germline): Uncertain significance (1 of 4 stars; one submission).

Allele frequency attached by ClinVar (database versions not stated): TOPMed 0.00003; gnomAD exomes below 0.00001; gnomAD 0.00003.
gnomAD v4.1: 9 of 1,612,450 alleles (0.00056%); highest among the groups gnomAD compares: African/African-American, 0.0027%; no homozygotes.

Submission:

Labcorp Genetics (formerly Invitae), Labcorp
Classification: Uncertain significance. Last evaluated: 2023-04-22. Review status: criteria provided, single submitter. Criteria: Invitae Variant Classification Sherloc (09022015). Collection method: clinical testing. Allele origin: germline.
Comment: In summary, the available evidence is currently insufficient to determine the role of this variant in disease. Therefore, it has been classified as a Variant of Uncertain Significance. Advanced modeling of protein sequence and biophysical properties (such as structural, functional, and spatial information, amino acid conservation, physicochemical variation, residue mobility, and thermodynamic stability) performed at Invitae indicates that this missense variant is not expected to disrupt FGFR3 protein function. ClinVar contains an entry for this variant (Variation ID: 2067877). This variant has not been reported in the literature in individuals affected with FGFR3-related conditions. This variant is present in population databases (no rsID available, gnomAD 0.002%). This sequence change replaces histidine, which is basic and polar, with tyrosine, which is neutral and polar, at codon 274 of the FGFR3 protein (p.His274Tyr).

NM_000142.5(FGFR3):c.820C>T (p.His274Tyr)

Gene: FGFR3 (fibroblast growth factor receptor 3; plus strand). Cytogenetic location: 4p16.3.
Variant type: single nucleotide variant.
Coding change: c.820C>T on transcript NM_000142.5 (MANE Select); coding-DNA position 820, C replaced by T.
Protein change: p.His274Tyr; replaces histidine 274 with tyrosine.
Molecular consequence: missense variant. On other transcripts: non-coding transcript variant (1).
Genome position (GRCh38, 1-based): chr4:1,801,915, C>T. VCF-style: chr4-1801915-C-T. GRCh37 (hg19) VCF-style: chr4-1803642-C-T.
Other names: c.820C>T, p.His274Tyr (NM_001163213.2, NM_001354809.2, NM_001354810.2 and 1 more transcripts); short protein forms H274Y.
Identifiers: ClinVar variation 2067877 (VCV002067877.4), dbSNP rs900590386, ClinGen allele CA91249923.